The following is an entry in ClinVar:

ClinVar aggregate classification (germline): Uncertain significance. Review status: criteria provided, multiple submitters, no conflicts (2 of 4 stars). 3 submissions from 3 submitters: Uncertain significance (3). Last evaluated 2026-01-18.

Conditions:
Fanconi anemia (FA). Also called: Fanconi's anemia. Identifiers: Orphanet 84, MedGen C0015625, MeSH D005199, MONDO:0019391.
Fanconi anemia complementation group P. Also called: SLX4-Related Fanconi Anemia. Identifiers: Orphanet 84, MedGen C3469542, MONDO:0013499, OMIM 613951.
Inborn genetic diseases. Identifiers: MedGen C0950123, MeSH D030342.

Allele frequency attached by ClinVar (database versions not stated): gnomAD exomes below 0.00001 and 0.00001; TOPMed 0.00001; ExAC 0.00002.
gnomAD v4.1: 3 of 1,613,852 alleles (0.00019%); highest among the groups gnomAD compares: East Asian, 0.0045%; no homozygotes.

Submissions (3):

Labcorp Genetics (formerly Invitae), Labcorp
Classification: Uncertain significance for Fanconi anemia. Last evaluated: 2026-01-18. Review status: criteria provided, single submitter. Criteria: Invitae Variant Classification Sherloc (09022015). Collection method: clinical testing. Allele origin: germline.
Comment: This sequence change replaces tryptophan, which is neutral and slightly polar, with arginine, which is basic and polar, at codon 1236 of the SLX4 protein (p.Trp1236Arg). This variant is present in population databases (rs760493361, gnomAD 0.02%). This variant has not been reported in the literature in individuals affected with SLX4-related conditions. ClinVar contains an entry for this variant (Variation ID: 656439). An algorithm developed to predict the effect of missense changes on protein structure and function outputs the following: PolyPhen-2: "Benign". The arginine amino acid residue is found in multiple mammalian species, which suggests that this missense change does not adversely affect protein function. In summary, the available evidence is currently insufficient to determine the role of this variant in disease. Therefore, it has been classified as a Variant of Uncertain Significance.

Fulgent Genetics
Classification: Uncertain significance for Fanconi anemia complementation group P. Last evaluated: 2024-06-05. Review status: criteria provided, single submitter. Criteria: ACMG Guidelines, 2015. Collection method: clinical testing. Allele origin: germline.

Ambry Genetics
Classification: Uncertain significance for Inborn genetic diseases. Last evaluated: 2024-01-22. Review status: criteria provided, single submitter. Criteria: Ambry Variant Classification Scheme 2023. Collection method: clinical testing. Allele origin: germline.

NM_032444.4(SLX4):c.3706T>C (p.Trp1236Arg)

Gene: SLX4 (SLX4 structure-specific endonuclease subunit; minus strand). Cytogenetic location: 16p13.3.
Variant type: single nucleotide variant.
Coding change: c.3706T>C on transcript NM_032444.4 (MANE Select); coding-DNA position 3706, T replaced by C.
Protein change: p.Trp1236Arg; replaces tryptophan 1236 with arginine.
Molecular consequence: missense variant.
Genome position (GRCh38, 1-based): chr16:3,589,932, A>G on the plus strand (T>C on the coding strand, the complement: SLX4 is on the minus strand). VCF-style: chr16-3589932-A-G. GRCh37 (hg19) VCF-style: chr16-3639933-A-G.
Other names: c.3706T>C (LRG_503t1); short protein forms W1236R.
Identifiers: ClinVar variation 656439 (VCV000656439.11), dbSNP rs760493361, ClinGen allele CA7865858.